The following is an entry in ClinVar:

NM_181672.3(OGT):c.1295A>G (p.His432Arg)

Gene: OGT (O-linked N-acetylglucosamine (GlcNAc) transferase; plus strand). Cytogenetic location: Xq13.1.
Variant type: single nucleotide variant.
Coding change: c.1295A>G on transcript NM_181672.3 (MANE Select); coding-DNA position 1295, A replaced by G.
Protein change: p.His432Arg; replaces histidine 432 with arginine.
Molecular consequence: missense variant.
Genome position (GRCh38, 1-based): chrX:71,557,080, A>G. VCF-style: chrX-71557080-A-G. GRCh37 (hg19) VCF-style: chrX-70776930-A-G.
Other names: c.1265A>G, p.His422Arg (NM_181673.3); short protein forms H422R, H432R.
Identifiers: ClinVar variation 2576645 (VCV002576645.2), dbSNP rs2522844800, ClinGen allele CA413552097.

ClinVar aggregate classification (germline): Uncertain significance (1 of 4 stars; one submission).

Submission:

GeneDx
Classification: Uncertain significance. Last evaluated: 2026-09-11. Review status: criteria provided, single submitter. Criteria: GeneDx Variant Classification Process June 2021. Collection method: clinical testing. Allele origin: germline.
Comment: Not observed at significant frequency in large population cohorts (gnomAD); In silico analysis supports that this missense variant has a deleterious effect on protein structure/function; Has not been previously published as pathogenic or benign to our knowledge